The following is an entry in ClinVar:

ClinVar aggregate classification (germline): Likely pathogenic (1 of 4 stars; one submission).

Submission:

CeGaT Center for Human Genetics Tuebingen
Classification: Likely pathogenic. Last evaluated: 2025-07-01. Review status: criteria provided, single submitter. Criteria: CeGaT Center For Human Genetics Tuebingen Variant Classification Criteria Version 2. Collection method: clinical testing. Allele origin: germline. Affected: yes. Observed: 1 variant allele.
Comment: INF2: PM2, PM4, PM1:Supporting, PS4:Supporting

NM_022489.4(INF2):c.373_387dup (p.Ser129_Gln130insValArgGlnLeuSer)

Gene: INF2 (inverted formin 2; plus strand). Cytogenetic location: 14q32.33.
Variant type: Duplication.
Coding change: c.373_387dup on transcript NM_022489.4 (MANE Select); coding-DNA positions 373 to 387, 15 bases duplicated (GTGCGCCAGCTCTCC).
Protein change: p.Ser129_Gln130insValArgGlnLeuSer.
Molecular consequence: non-coding transcript variant (on NR_190061.1).
Genome position (GRCh38, 1-based): chr14:104,701,738-104,701,752, GTGCGCCAGCTCTCC duplicated; duplicating any 15 consecutive bases within chr14:104,701,737-104,701,752 gives the same sequence; the c. name uses the placement nearest the transcript's 3' end. VCF-style (leftmost placement, unchanged base first): chr14-104701736-A-ACGTGCGCCAGCTCTC. GRCh37 (hg19) VCF-style: chr14-105168073-A-ACGTGCGCCAGCTCTC.
Other names: c.373_387dup, p.Ser129_Gln130insValArgGlnLeuSer (NM_001031714.4, NM_001426862.1, NM_001426863.1 and 6 more transcripts).
Identifiers: ClinVar variation 4085496 (VCV004085496.8).